The following is an entry in ClinVar:

NM_004006.3(DMD):c.3487C>T (p.Gln1163Ter)

Gene: DMD (dystrophin; minus strand). Cytogenetic location: Xp21.1.
Variant type: single nucleotide variant.
Coding change: c.3487C>T on transcript NM_004006.3 (MANE Select); coding-DNA position 3487, C replaced by T.
Protein change: p.Gln1163Ter; replaces glutamine 1163 with a stop codon.
Molecular consequence: nonsense.
Genome position (GRCh38, 1-based): chrX:32,454,778, G>A on the plus strand (C>T on the coding strand, the complement: DMD is on the minus strand). VCF-style: chrX-32454778-G-A. GRCh37 (hg19) VCF-style: chrX-32472895-G-A.
Other names: c.3463C>T, p.Gln1155Ter (NM_000109.4); c.3475C>T, p.Gln1159Ter (NM_004009.3); c.3118C>T, p.Gln1040Ter (NM_004010.3); short protein forms Q1163*, Q1155*, Q1159*, Q1040*.
Identifiers: ClinVar variation 419607 (VCV000419607.8), dbSNP rs1064793986, ClinGen allele CA16621363.

ClinVar aggregate classification (germline): Pathogenic. Review status: criteria provided, multiple submitters, no conflicts (2 of 4 stars). 3 submissions from 3 submitters: Pathogenic (3). Last evaluated 2025-10-02.

Conditions:
Duchenne muscular dystrophy (DMD). Also called: MUSCULAR DYSTROPHY, PSEUDOHYPERTROPHIC PROGRESSIVE, DUCHENNE TYPE; Duchenne Muscular Dystrophy (DMD). Identifiers: Orphanet 98896, MedGen C0013264, MONDO:0010679, OMIM 310200.

Submissions (3):

Labcorp Genetics (formerly Invitae), Labcorp
Classification: Pathogenic for Duchenne muscular dystrophy. Last evaluated: 2025-10-02. Review status: criteria provided, single submitter. Criteria: Invitae Variant Classification Sherloc (09022015). Collection method: clinical testing. Allele origin: germline.
Comment: This sequence change creates a premature translational stop signal (p.Gln1163*) in the DMD gene. It is expected to result in an absent or disrupted protein product. Loss-of-function variants in DMD are known to be pathogenic (PMID: 16770791, 25007885). This variant is not present in population databases (gnomAD no frequency). This premature translational stop signal has been observed in individual(s) with Duchenne muscular dystrophy (PMID: 30907348). ClinVar contains an entry for this variant (Variation ID: 419607). For these reasons, this variant has been classified as Pathogenic.

Revvity Omics, Revvity
Classification: Pathogenic. Last evaluated: 2023-01-30. Review status: criteria provided, single submitter. Criteria: ACMG Guidelines, 2015. Collection method: clinical testing. Allele origin: germline.

GeneDx
Classification: Pathogenic. Last evaluated: 2015-08-20. Review status: criteria provided, single submitter. Criteria: GeneDx Variant Classification (06012015). Collection method: clinical testing. Allele origin: germline. Affected: yes.
Comment: The Q1163X variant in the DMD gene has not been reported previously as a pathogenic variantnor as a benign polymorphism, to our knowledge. This variant is predicted to cause loss of normal protein function either through protein truncation or nonsense-mediated mRNA decay. The Q1163X variant was not observed in approximately 6,500 individuals of European and African American ancestry in the NHLBI Exome Sequencing Project, indicating it is not a common benign variant in these populations. We interpret Q1163X as a pathogenic variant.

Literature cited by the submitters: PubMed 16770791 (cited by Labcorp Genetics (formerly Invitae), Labcorp); PubMed 25007885 (cited by Labcorp Genetics (formerly Invitae), Labcorp); PubMed 30907348 (cited by Labcorp Genetics (formerly Invitae), Labcorp).